The following is an entry in ClinVar:

NM_002819.5(PTBP1):c.713A>G (p.Lys238Arg)

Gene: PTBP1 (polypyrimidine tract binding protein 1; plus strand). Cytogenetic location: 19p13.3.
Variant type: single nucleotide variant.
Coding change: c.713A>G on transcript NM_002819.5 (MANE Select); coding-DNA position 713, A replaced by G.
Protein change: p.Lys238Arg; replaces lysine 238 with arginine.
Molecular consequence: missense variant.
Genome position (GRCh38, 1-based): chr19:804,935, A>G. VCF-style: chr19-804935-A-G. GRCh37 (hg19) VCF-style: chr19-804935-A-G.
Other names: c.719A>G, p.Lys240Arg (NM_001411140.1); c.713A>G, p.Lys238Arg (NM_031990.4, NM_031991.4); short protein forms K240R, K238R.
Identifiers: ClinVar variation 5010121 (VCV005010121.1).

ClinVar aggregate classification (germline): Uncertain significance (1 of 4 stars; one submission).

Submission:

GeneDx
Classification: Uncertain significance. Last evaluated: 2026-02-28. Review status: criteria provided, single submitter. Criteria: GeneDx Variant Classification Process June 2021. Collection method: clinical testing. Allele origin: germline.
Comment: Not observed at significant frequency in large population cohorts (gnomAD); In silico analysis supports that this missense variant has a deleterious effect on protein structure/function; Has not been previously published as pathogenic or benign to our knowledge